The following is an entry in ClinVar:

ClinVar aggregate classification (germline): Likely benign. Review status: criteria provided, multiple submitters, no conflicts (2 of 4 stars). 3 submissions from 3 submitters: Likely benign (3). Last evaluated 2026-08-01.

Conditions:
Marshall-Smith syndrome (MRSHSS). Identifiers: Orphanet 561, MedGen C0265211, MONDO:0011244, OMIM 602535.
Malan overgrowth syndrome (MALNS). Also called: MALAN SYNDROME; NFIX-Related Malan Syndrome; Sotos syndrome 2. Identifiers: Orphanet 420179, MedGen C3553660, MONDO:0013885, OMIM 614753.

Allele frequency attached by ClinVar (database versions not stated): ExAC 0.00002; gnomAD exomes 0.00002; TOPMed 0.00002; gnomAD 0.00003.
gnomAD v4.1: 31 of 1,614,106 alleles (0.0019%); highest among the groups gnomAD compares: Non-Finnish European, 0.0025%; no homozygotes.

Submissions (3):

CeGaT Center for Human Genetics Tuebingen
Classification: Likely benign. Last evaluated: 2026-08-01. Review status: criteria provided, single submitter. Criteria: CeGaT Center For Human Genetics Tuebingen Variant Classification Criteria Version 2. Collection method: clinical testing. Allele origin: germline. Affected: yes. Observed: 1 variant allele.
Comment: NFIX: BP4, BP7

Labcorp Genetics (formerly Invitae), Labcorp
Classification: Likely benign for Malan overgrowth syndrome; Marshall-Smith syndrome. Last evaluated: 2025-07-27. Review status: criteria provided, single submitter. Criteria: Invitae Variant Classification Sherloc (09022015). Collection method: clinical testing. Allele origin: germline.

Laboratory of Genetics, Children's Clinical University Hospital Latvia
Classification: Likely benign. Last evaluated: 2025-02-16. Review status: criteria provided, single submitter. Criteria: ACMG Guidelines, 2015. Collection method: clinical testing. Allele origin: germline. Affected: yes.

NM_001365902.3(NFIX):c.129G>A (p.Lys43=)

Gene: NFIX (nuclear factor I X; plus strand). Cytogenetic location: 19p13.13.
Variant type: single nucleotide variant.
Coding change: c.129G>A on transcript NM_001365902.3 (MANE Select); coding-DNA position 129, G replaced by A.
Protein change: p.Lys43=; no amino-acid change (lysine 43 retained).
Molecular consequence: synonymous variant. On other transcripts: 5 prime UTR variant (1).
Genome position (GRCh38, 1-based): chr19:13,025,122, G>A. VCF-style: chr19-13025122-G-A. GRCh37 (hg19) VCF-style: chr19-13135936-G-A.
Other names: c.153G>A, p.Lys51= (NM_001271043.2); c.105G>A, p.Lys35= (NM_001271044.3, NM_001378404.1); c.129G>A, p.Lys43= (NM_001365982.2, NM_002501.4); c.-13G>A (NM_001365983.2); c.126G>A, p.Lys42= (NM_001365984.2, NM_001365985.2); c.177G>A, p.Lys59= (NM_001378405.1).
Identifiers: ClinVar variation 1985526 (VCV001985526.6), dbSNP rs766284677, ClinGen allele CA9236948.
Genomic context (GRCh38, chr19:13,025,122, plus strand): 5'-CCGCGCTTTCTCCTACACCTGGTTCAACCTGCAGGCGCGGAAGCGCAAGTACTTCAAGAA[G>A]CATGAAAAGCGGATGTCGAAGGACGAGGAGCGGGCGGTGAAGGACGAGCTGCTGGGCGAG-3'
Protein context (NP_001352831.1, residues 33-53): LQARKRKYFK[Lys43=]HEKRMSKDEE